The following is an entry in ClinVar:

ClinVar aggregate classification (germline): Uncertain significance (1 of 4 stars; one submission).

Conditions:
Cardiovascular phenotype. Identifiers: MedGen CN230736.

Submission:

Ambry Genetics
Classification: Uncertain significance for Cardiovascular phenotype. Last evaluated: 2026-02-19. Review status: criteria provided, single submitter. Criteria: Ambry Variant Classification Scheme 2023. Collection method: clinical testing. Allele origin: germline.
Comment: The p.A312S variant (also known as c.934G>T), located in coding exon 5 of the ACTC1 gene, results from a G to T substitution at nucleotide position 934. The alanine at codon 312 is replaced by serine, an amino acid with similar properties. This amino acid position is conserved. In addition, this alteration is predicted to be deleterious by in silico analysis. Based on the available evidence, the clinical significance of this variant remains unclear.

NM_005159.5(ACTC1):c.934G>T (p.Ala312Ser)

Genes: ACTC1 (actin alpha cardiac muscle 1; minus strand), GJD2-DT (GJD2 divergent transcript; plus strand). Cytogenetic location: 15q14.
Variant type: single nucleotide variant.
Coding change: c.934G>T on transcript NM_005159.5 (MANE Select); coding-DNA position 934, G replaced by T.
Protein change: p.Ala312Ser; replaces alanine 312 with serine.
Molecular consequence: missense variant.
Genome position (GRCh38, 1-based): chr15:34,791,170, C>A on the plus strand (G>T on the coding strand, the complement: ACTC1 is on the minus strand). VCF-style: chr15-34791170-C-A. GRCh37 (hg19) VCF-style: chr15-35083371-C-A.
Other names: c.934G>T (NM_005159.4); short protein forms A312S.
Identifiers: ClinVar variation 4844296 (VCV004844296.1).